The following is an entry in ClinVar:

ClinVar aggregate classification (germline): Uncertain significance. Review status: criteria provided, multiple submitters, no conflicts (2 of 4 stars). 2 submissions from 2 submitters: Uncertain significance (2). Last evaluated 2024-10-28.

Conditions:
NEBL-related disorder. Also called: NEBL-related condition.
Primary dilated cardiomyopathy (DCM). Also called: Dilated Cardiomyopathy. Identifiers: Orphanet 217604, MedGen C0007193, MeSH D002311, MONDO:0005021, HP:0001644. Inheritance: Various modes of inheritance.

Allele frequency attached by ClinVar (database versions not stated): gnomAD exomes below 0.00001; TOPMed below 0.00001.
gnomAD v4.1: 2 of 1,583,920 alleles (0.00013%); highest among the groups gnomAD compares: Non-Finnish European, 0.000087%; no homozygotes.

Submissions (2):

PreventionGenetics, part of Exact Sciences
Classification: Uncertain significance for NEBL-related condition. Last evaluated: 2024-10-28. Review status: criteria provided, single submitter. Criteria: ACMG Guidelines, 2015. Collection method: clinical testing. Allele origin: germline.
Comment: The NEBL c.1696A>C variant is predicted to result in the amino acid substitution p.Lys566Gln. To our knowledge, this variant has not been reported in the literature or in a large population database (gnomAD), indicating this variant is rare. At this time, the clinical significance of this variant is uncertain due to the absence of conclusive functional and genetic evidence.

Labcorp Genetics (formerly Invitae), Labcorp
Classification: Uncertain significance for Primary dilated cardiomyopathy. Last evaluated: 2022-07-11. Review status: criteria provided, single submitter. Criteria: Invitae Variant Classification Sherloc (09022015). Collection method: clinical testing. Allele origin: germline.
Comment: This variant has not been reported in the literature in individuals affected with NEBL-related conditions. In summary, the available evidence is currently insufficient to determine the role of this variant in disease. Therefore, it has been classified as a Variant of Uncertain Significance. Algorithms developed to predict the effect of missense changes on protein structure and function are either unavailable or do not agree on the potential impact of this missense change (SIFT: "Tolerated"; PolyPhen-2: "Possibly Damaging"; Align-GVGD: "Class C0"). ClinVar contains an entry for this variant (Variation ID: 412258). This variant is not present in population databases (gnomAD no frequency). This sequence change replaces lysine, which is basic and polar, with glutamine, which is neutral and polar, at codon 566 of the NEBL protein (p.Lys566Gln).

NM_006393.3(NEBL):c.1696A>C (p.Lys566Gln)

Gene: NEBL (nebulette; minus strand). Cytogenetic location: 10p12.31.
Variant type: single nucleotide variant.
Coding change: c.1696A>C on transcript NM_006393.3 (MANE Select); coding-DNA position 1696, A replaced by C.
Protein change: p.Lys566Gln; replaces lysine 566 with glutamine.
Molecular consequence: missense variant. On other transcripts: intron variant (9).
Genome position (GRCh38, 1-based): chr10:20,828,610, T>G on the plus strand (A>C on the coding strand, the complement: NEBL is on the minus strand). VCF-style: chr10-20828610-T-G. GRCh37 (hg19) VCF-style: chr10-21117539-T-G.
Other names: c.250-15670A>C (NM_001377326.1, NM_001377327.1, NM_001377328.1); c.358-15670A>C (NM_213569.2, NM_001173484.2, NM_001377322.1); c.301-15670A>C (NM_001377324.1); c.292-15670A>C (NM_001377325.1); c.310-15670A>C (NM_001377323.1); short protein forms K566Q.
Identifiers: ClinVar variation 412258 (VCV000412258.10), dbSNP rs1060503680, ClinGen allele CA16612961.